The following is an entry in ClinVar:

ClinVar aggregate classification (germline): Uncertain significance. Review status: criteria provided, multiple submitters, no conflicts (2 of 4 stars). 3 submissions from 3 submitters: Uncertain significance (3). Last evaluated 2025-08-16.

Conditions:
KMT2D-related disorder. Also called: KMT2D-Related Disorders.
Kabuki syndrome. Also called: NIIKAWA-KUROKI SYNDROME; Kabuki make-up syndrome. Identifiers: Orphanet 2322, MedGen C0796004, MONDO:0016512.

Allele frequency attached by ClinVar (database versions not stated): ExAC 0.00001; gnomAD 0.00002; TOPMed 0.00002.
gnomAD v4.1: 16 of 1,613,546 alleles (0.00099%); highest among the groups gnomAD compares: East Asian, 0.0022%; no homozygotes.

Submissions (3):

Labcorp Genetics (formerly Invitae), Labcorp
Classification: Uncertain significance for Kabuki syndrome. Last evaluated: 2025-08-16. Review status: criteria provided, single submitter. Criteria: Invitae Variant Classification Sherloc (09022015). Collection method: clinical testing. Allele origin: germline.
Comment: This sequence change replaces arginine, which is basic and polar, with tryptophan, which is neutral and slightly polar, at codon 2789 of the KMT2D protein (p.Arg2789Trp). This variant is present in population databases (rs768915172, gnomAD 0.002%). This variant has not been reported in the literature in individuals affected with KMT2D-related conditions. This missense change has been observed in at least one individual who was not affected with KMT2D-related conditions (internal data). ClinVar contains an entry for this variant (Variation ID: 2195072). An algorithm developed to predict the effect of missense changes on protein structure and function (PolyPhen-2) suggests that this variant is likely to be disruptive. In summary, the available evidence is currently insufficient to determine the role of this variant in disease. Therefore, it has been classified as a Variant of Uncertain Significance.

CeGaT Center for Human Genetics Tuebingen
Classification: Uncertain significance. Last evaluated: 2023-02-01. Review status: criteria provided, single submitter. Criteria: CeGaT Center For Human Genetics Tuebingen Variant Classification Criteria Version 2. Collection method: clinical testing. Allele origin: germline. Affected: yes. Observed: 1 variant allele.
Comment: KMT2D: PM2:Supporting, PP2

PreventionGenetics, part of Exact Sciences
Classification: Uncertain significance for KMT2D-related condition. Last evaluated: 2022-11-16. Review status: criteria provided, single submitter. Criteria: ACMG Guidelines, 2015. Collection method: clinical testing. Allele origin: germline.
Comment: The KMT2D c.8365C>T variant is predicted to result in the amino acid substitution p.Arg2789Trp. To our knowledge, this variant has not been reported in the literature. Of note, a different substitution at the same codon (p.Arg2789Gln) has been reported to arise de novo in a patient with Kabuki syndrome (Yap et al. 2018. PubMed ID: 29907798). This variant is reported in 0.0018% of alleles in individuals of European (Non-Finnish) descent in gnomAD. At this time, the clinical significance of this variant is uncertain due to the absence of conclusive functional and genetic evidence.

NM_003482.4(KMT2D):c.8365C>T (p.Arg2789Trp)

Gene: KMT2D (lysine methyltransferase 2D; minus strand). Cytogenetic location: 12q13.12.
Variant type: single nucleotide variant.
Coding change: c.8365C>T on transcript NM_003482.4 (MANE Select); coding-DNA position 8365, C replaced by T.
Protein change: p.Arg2789Trp; replaces arginine 2789 with tryptophan.
Molecular consequence: missense variant.
Genome position (GRCh38, 1-based): chr12:49,039,223, G>A on the plus strand (C>T on the coding strand, the complement: KMT2D is on the minus strand). VCF-style: chr12-49039223-G-A. GRCh37 (hg19) VCF-style: chr12-49433006-G-A.
Other names: short protein forms R2789W.
Identifiers: ClinVar variation 2195072 (VCV002195072.28), dbSNP rs768915172, ClinGen allele CA6546850.